The following is an entry in ClinVar:

NM_001371986.1(UNC80):c.5173T>C (p.Trp1725Arg)

Genes: UNC80 (unc-80 subunit of NALCN channel complex; plus strand), LOC126806490 (P300/CBP strongly-dependent group 1 enhancer GRCh37_chr2:210782411-210783610; plus strand). Cytogenetic location: 2q34.
Variant type: single nucleotide variant.
Coding change: c.5173T>C on transcript NM_001371986.1 (MANE Select); coding-DNA position 5173, T replaced by C.
Protein change: p.Trp1725Arg; replaces tryptophan 1725 with arginine.
Molecular consequence: missense variant.
Genome position (GRCh38, 1-based): chr2:209,917,920, T>C. VCF-style: chr2-209917920-T-C. GRCh37 (hg19) VCF-style: chr2-210782644-T-C.
Other names: c.4975T>C, p.Trp1659Arg (NM_032504.2); c.4960T>C, p.Trp1654Arg (NM_182587.4); short protein forms W1654R, W1659R, W1725R.
Identifiers: ClinVar variation 1507276 (VCV001507276.8), dbSNP rs2124948225, ClinGen allele CA350759388.
Genomic context (GRCh38, chr2:209,917,920, plus strand): 5'-GTGCAGAGGCTGAACGCTGTCCTCAAGTTCCACACGCTCTGGAGGTTTCGCTATCAGGTC[T>C]GGCCCCGGATGGAGGAAGGGGCACAGCAGATTTTTAAGGTGAGGGATACTTCTCACAGAG-3'
Protein context (NP_001358915.1, residues 1715-1735): HTLWRFRYQV[Trp1725Arg]PRMEEGAQQI

ClinVar aggregate classification (germline): Uncertain significance (1 of 4 stars; one submission).

Submission:

Labcorp Genetics (formerly Invitae), Labcorp
Classification: Uncertain significance. Last evaluated: 2022-09-27. Review status: criteria provided, single submitter. Criteria: Invitae Variant Classification Sherloc (09022015). Collection method: clinical testing. Allele origin: germline.
Comment: Advanced modeling of protein sequence and biophysical properties (such as structural, functional, and spatial information, amino acid conservation, physicochemical variation, residue mobility, and thermodynamic stability) performed at Invitae indicates that this missense variant is not expected to disrupt UNC80 protein function. In summary, the available evidence is currently insufficient to determine the role of this variant in disease. Therefore, it has been classified as a Variant of Uncertain Significance. ClinVar contains an entry for this variant (Variation ID: 1507276). This variant has not been reported in the literature in individuals affected with UNC80-related conditions. This variant is not present in population databases (gnomAD no frequency). This sequence change replaces tryptophan, which is neutral and slightly polar, with arginine, which is basic and polar, at codon 1659 of the UNC80 protein (p.Trp1659Arg).